The following is an entry in ClinVar:

ClinVar aggregate classification (germline): Pathogenic. Review status: reviewed by expert panel (3 of 4 stars). 12 submissions from 12 submitters: Pathogenic (1). 11 of the submissions do not count toward it. Last evaluated 2025-04-03.

Conditions:
Distal myopathy with anterior tibial onset. Identifiers: Orphanet 178400, MedGen C1847532, MONDO:0011721, OMIM 606768.
Autosomal recessive limb-girdle muscular dystrophy type 2B (LGMDR2). Also called: Limb-girdle muscular dystrophy, type 2B; MUSCULAR DYSTROPHY, LIMB-GIRDLE, AUTOSOMAL RECESSIVE 2; MUSCULAR DYSTROPHY, LIMB-GIRDLE, TYPE 3; Limb-Girdle Muscular Dystrophy Type 2B (LGMD2B). Identifiers: Orphanet 268, MedGen C1850889, MONDO:0009676, OMIM 253601.
Miyoshi muscular dystrophy 1 (MMD1). Identifiers: Orphanet 45448, MedGen C4551973, MONDO:0024545, OMIM 254130.
Neuromuscular disease caused by qualitative or quantitative defects of dysferlin. Also called: Dysferlinopathy; Qualitative or quantitative defects of dysferlin. Identifiers: Orphanet 207073, MedGen C2931687, MONDO:0016145.
DYSF-related disorder. Also called: DYSF-related disorders; DYSF-related condition.
Autosomal recessive limb-girdle muscular dystrophy. Identifiers: Orphanet 102015, MedGen C2931907, MONDO:0015152.

Allele frequency attached by ClinVar (database versions not stated): gnomAD exomes below 0.00001; ExAC 0.00001; gnomAD 0.00001; TOPMed 0.00001.

Submissions (13):

ClinGen Limb Girdle Muscular Dystrophy Variant Curation Expert Panel, ClinGen
Classification: Pathogenic for Autosomal recessive limb-girdle muscular dystrophy. Last evaluated: 2025-04-03. Review status: reviewed by expert panel. Criteria: ClinGen LGMD VCEP ACMG Specifications DYSF V1.0.0. Collection method: curation. Allele origin: germline. Inheritance: Autosomal recessive inheritance.
Comment: The NM_003494.4: c.1180+5G>A variant in DYSF, which is also known as NM_001130987.2: c.1276+5G>A, occurs within the splice donor region of intron 12 and has a SpliceAI score of 0.87 for donor loss and 0.44 for gain of an alternative donor. RNAseq analysis has demonstrated abnormal splicing due to this variant, which resulted in either an insertion of 28bp or a deletion of 28bp. Both events led to a frameshift and premature truncation: p.(Met394SerfsTer27) and p.(Val385TrpfsTer5) (PMID: 36983702; PVS1_RNA). This variant has been reported in at least nine individuals with dysferlinopathy (PMID: 18853459, 25574751, 27647186, 28403181, 32400077, 36983702), including in unknown phase with a pathogenic variant in at least two patients (c.3112C>T p.(Arg1038Ter), 0.5 pts, PMID: 36983702; c.6124C>T p.(Arg2042Cys), 0.5 pts, PMID: 25574751) and in a homozygous state in one individual (0.5 pts, PMID: 27647186, 28403181) (PM3). At least one patient with this variant displayed progressive muscle weakness and reduced or absent dysferlin protein expression, which is highly specific for DYSF-related LGMD (PMID: 18853459, 25574751, 28403181, 36983702; PP4_Strong). The filtering allele frequency of this variant is 0.000028265 (the upper threshold of the 95% CI of 22/1111436 European (non-Finnish) exome chromosomes) in gnomAD v4.1.0, which is less than the ClinGen LGMD VCEP threshold (≤0.0001) (PM2_Supporting). In summary, this variant meets the criteria to be classified as Pathogenic for autosomal recessive limb girdle muscular dystrophy based on the ACMG/AMP criteria applied, as specified by the ClinGen LGMD VCEP (LGMD VCEP specifications version 1.0.0; 04/03/2025): PVS1_RNA, PM3, PP4_Strong, PM2_Supporting.

Natera, Inc.
Classification: Pathogenic for Limb-girdle muscular dystrophy type 2B. Last evaluated: 2025-11-21. Review status: criteria provided, single submitter. Criteria: Natera Variant Classification Schema (03/2026). Collection method: clinical testing. Allele origin: germline. Not counted in ClinVar's aggregate classification.
Comment: The c.1180+5G>A variant in DYSF is an intronic variant located outside the canonical splice sites. This variant is rare in the general population with a frequency below the threshold expected for the associated phenotype(s). This variant has been observed in one or more individuals affected with the associated recessive disease, as either homozygous or compound heterozygous with a second variant (PMID: 27647186, 32400077, 27290639, 38758368). Computational prediction algorithms indicate this variant is likely to affect gene or protein function. Given the available evidence, this variant is classified as Pathogenic.

Revvity Omics, Revvity
Classification: Pathogenic. Last evaluated: 2024-11-21. Review status: criteria provided, single submitter. Criteria: ACMG Guidelines, 2015. Collection method: clinical testing. Allele origin: germline. Not counted in ClinVar's aggregate classification.

Fulgent Genetics
Classification: Likely pathogenic for Autosomal recessive limb-girdle muscular dystrophy type 2B; Miyoshi muscular dystrophy 1; Distal myopathy with anterior tibial onset. Last evaluated: 2024-01-20. Review status: criteria provided, single submitter. Criteria: ACMG Guidelines, 2015. Collection method: clinical testing. Allele origin: germline. Not counted in ClinVar's aggregate classification.

Labcorp Genetics (formerly Invitae), Labcorp
Classification: Pathogenic for Neuromuscular disease caused by qualitative or quantitative defects of dysferlin. Last evaluated: 2023-12-27. Review status: criteria provided, single submitter. Criteria: Invitae Variant Classification Sherloc (09022015). Collection method: clinical testing. Allele origin: germline. Not counted in ClinVar's aggregate classification.
Comment: This sequence change falls in intron 12 of the DYSF gene. It does not directly change the encoded amino acid sequence of the DYSF protein. It affects a nucleotide within the consensus splice site. The frequency data for this variant in the population databases is considered unreliable, as metrics indicate poor data quality at this position in the gnomAD database. This variant has been observed in individual(s) with distal myopathy or limb-girdle muscular dystrophy (PMID: 18853459, 25574751, 27290639, 27647186). ClinVar contains an entry for this variant (Variation ID: 289571). Variants that disrupt the consensus splice site are a relatively common cause of aberrant splicing (PMID: 17576681, 9536098). Algorithms developed to predict the effect of sequence changes on RNA splicing suggest that this variant may disrupt the consensus splice site. For these reasons, this variant has been classified as Pathogenic.

Baylor Genetics
Classification: Pathogenic for Miyoshi muscular dystrophy 1. Last evaluated: 2023-12-19. Review status: criteria provided, single submitter. Criteria: ACMG Guidelines, 2015. Collection method: clinical testing. Allele origin: unknown. Not counted in ClinVar's aggregate classification.

GeneDx
Classification: Pathogenic. Last evaluated: 2022-05-06. Review status: criteria provided, single submitter. Criteria: GeneDx Variant Classification Process June 2021. Collection method: clinical testing. Allele origin: germline. Affected: yes. Not counted in ClinVar's aggregate classification.
Comment: Intronic +5 splice site variant in a gene for which loss of function is a known mechanism of disease, and splice predictors support a deleterious effect; Not observed at significant frequency in large population cohorts (gnomAD); This variant is associated with the following publications: (PMID: 18853459, 27290639, 25574751, 32400077, 32528171, 27647186)

Athena Diagnostics
Classification: Likely pathogenic. Last evaluated: 2020-12-28. Review status: criteria provided, single submitter. Criteria: Athena Diagnostics Criteria. Collection method: clinical testing. Allele origin: unknown. Not counted in ClinVar's aggregate classification.
Comment: The frequency of this variant in the general population is consistent with pathogenicity. Predicted to negatively affect a known splice site. Statistically enriched in patients.

Eurofins Ntd Llc (ga)
Classification: Pathogenic. Last evaluated: 2017-07-14. Review status: criteria provided, single submitter. Criteria: EGL Classification Definitions 2015. Collection method: clinical testing. Allele origin: germline. Observed: 3 variant alleles, 2 heterozygotes, 1 homozygote. Not counted in ClinVar's aggregate classification.

Juno Genomics, Hangzhou Juno Genomics, Inc
Classification: Pathogenic for Autosomal recessive limb-girdle muscular dystrophy type 2B. Review status: criteria provided, single submitter. Criteria: ACMG Guidelines, 2015. Collection method: clinical testing. Allele origin: germline. Not counted in ClinVar's aggregate classification.
Comment: Absent from controls (or at extremely low frequency if recessive) in Genome Aggregation Database.;Null variant in a gene where loss of function (LOF) is a known mechanism of disease.;For recessive disorders, detected in trans with a pathogenic variant.;Patient's phenotype or family history is highly specific for a disease with a single genetic etiology.

PreventionGenetics, part of Exact Sciences
Classification: Pathogenic for DYSF-related condition. Last evaluated: 2024-06-27. Review status: no assertion criteria provided. Collection method: clinical testing. Allele origin: germline. Not counted in ClinVar's aggregate classification.
Comment: The DYSF c.1180+5G>A variant is predicted to interfere with splicing. This variant has been reported along with a second DYSF variant in individuals with limb girdle muscular dystrophy (see for examples Krahn et al. 2009. PubMed ID: 18853459; Szymanska et al. 2014. PubMed ID: 25574751; Pronicka et al. 2016. PubMed ID: 27290639; Table S1, Charnay et al. 2021. PubMed ID: 33927379). This variant is reported in 0.00090% of alleles in individuals of European (Non-Finnish) descent in gnomAD. This variant has been listed as pathogenic or likely pathogenic in ClinVar. Given the evidence, we interpret this variant as pathogenic.

Counsyl
Classification: Likely pathogenic for Autosomal recessive limb-girdle muscular dystrophy type 2B. Last evaluated: 2017-08-16. Review status: no assertion criteria provided. Collection method: clinical testing. Allele origin: unknown. Not counted in ClinVar's aggregate classification.

Dr. Peter K. Rogan Lab, Western University
No classification provided (evidence only). Condition: Pancreatic adenocarcinoma. Review status: no classification provided. Collection method: in vitro. Allele origin: not applicable. Functional consequence: retained intron. Not counted in ClinVar's aggregate classification.

Literature cited by the submitters: PubMed 27647186 (cited by 4 submitters); PubMed 32400077 (cited by Natera, Inc.); PubMed 27290639 (cited by 4 submitters); PubMed 38758368 (cited by Natera, Inc.); PubMed 18853459 (cited by 3 submitters); PubMed 25574751 (cited by Labcorp Genetics (formerly Invitae), Labcorp and Athena Diagnostics); PubMed 17576681 (cited by Labcorp Genetics (formerly Invitae), Labcorp); PubMed 9536098 (cited by Labcorp Genetics (formerly Invitae), Labcorp).

NM_001130987.2(DYSF):c.1276+5G>A

Gene: DYSF (dysferlin; plus strand). Cytogenetic location: 2p13.2.
Variant type: single nucleotide variant.
Coding change: c.1276+5G>A on transcript NM_001130987.2 (MANE Select); 5 bases into the intron after coding-DNA position 1276, G replaced by A.
Molecular consequence: intron variant.
Genome position (GRCh38, 1-based): chr2:71,526,351, G>A. VCF-style: chr2-71526351-G-A. GRCh37 (hg19) VCF-style: chr2-71753481-G-A.
Other names: c.1273+5G>A (NM_001130979.2, NM_001130981.2, NM_001130980.2); c.1180+5G>A (NM_001130978.2, NM_003494.4, NM_001130977.2 and 1 more transcripts); c.1276+5G>A (NM_001130982.2, NM_001130985.2); c.1183+5G>A (NM_001130983.2, NM_001130455.2, NM_001130984.2 and 1 more transcripts).
Identifiers: ClinVar variation 289571 (VCV000289571.32), dbSNP rs766433603, ClinGen allele CA1705673.